The following is an entry in ClinVar:

ClinVar aggregate classification (germline): Likely benign (0 of 4 stars; one submission).

Conditions:
UBA7-related disorder. Also called: UBA7-related condition.

Allele frequency attached by ClinVar (database versions not stated): ExAC 0.00001; TOPMed 0.00002; gnomAD 0.00004; gnomAD exomes 0.00005.
gnomAD v4.1: 81 of 1,614,054 alleles (0.005%); highest among the groups gnomAD compares: Non-Finnish European, 0.0064%; no homozygotes.

Submission:

PreventionGenetics, part of Exact Sciences
Classification: Likely benign for UBA7-related condition. Last evaluated: 2019-02-22. Review status: no assertion criteria provided. Collection method: clinical testing. Allele origin: germline.
Comment: This variant is classified as likely benign based on ACMG/AMP sequence variant interpretation guidelines (Richards et al. 2015 PMID: 25741868, with internal and published modifications).

NM_003335.3(UBA7):c.1536C>T (p.Leu512=)

Gene: UBA7 (ubiquitin like modifier activating enzyme 7; minus strand). Cytogenetic location: 3p21.31.
Variant type: single nucleotide variant.
Coding change: c.1536C>T on transcript NM_003335.3 (MANE Select); coding-DNA position 1536, C replaced by T.
Protein change: p.Leu512=; no amino-acid change (leucine 512 retained).
Molecular consequence: synonymous variant.
Genome position (GRCh38, 1-based): chr3:49,810,360, G>A on the plus strand (C>T on the coding strand, the complement: UBA7 is on the minus strand). VCF-style: chr3-49810360-G-A. GRCh37 (hg19) VCF-style: chr3-49847793-G-A.
Identifiers: ClinVar variation 3057477 (VCV003057477.2), dbSNP rs781390167, ClinGen allele CA2407023.